The following is an entry in ClinVar:

ClinVar aggregate classification (germline): Uncertain significance. Review status: criteria provided, multiple submitters, no conflicts (2 of 4 stars). 3 submissions from 3 submitters: Uncertain significance (3). Last evaluated 2026-06-01.

Conditions:
Spastic paraplegia. Identifiers: MedGen C0037772, HP:0001258.

Allele frequency attached by ClinVar (database versions not stated): gnomAD exomes below 0.00001.
gnomAD v4.1: 2 of 1,212,102 alleles (0.00017%); highest among the groups gnomAD compares: South Asian, 0.0035%; no homozygotes.

Submissions (3):

CeGaT Center for Human Genetics Tuebingen
Classification: Uncertain significance. Last evaluated: 2026-06-01. Review status: criteria provided, single submitter. Criteria: CeGaT Center For Human Genetics Tuebingen Variant Classification Criteria Version 2. Collection method: clinical testing. Allele origin: germline. Affected: yes. Observed: 1 variant allele.

Labcorp Genetics (formerly Invitae), Labcorp
Classification: Uncertain significance for Spastic paraplegia. Last evaluated: 2024-10-24. Review status: criteria provided, single submitter. Criteria: Invitae Variant Classification Sherloc (09022015). Collection method: clinical testing. Allele origin: germline.
Comment: This sequence change replaces isoleucine, which is neutral and non-polar, with threonine, which is neutral and polar, at codon 1005 of the L1CAM protein (p.Ile1005Thr). This variant is not present in population databases (gnomAD no frequency). This variant has not been reported in the literature in individuals affected with L1CAM-related conditions. ClinVar contains an entry for this variant (Variation ID: 92931). Invitae Evidence Modeling of protein sequence and biophysical properties (such as structural, functional, and spatial information, amino acid conservation, physicochemical variation, residue mobility, and thermodynamic stability) indicates that this missense variant is not expected to disrupt L1CAM protein function with a negative predictive value of 95%. In summary, the available evidence is currently insufficient to determine the role of this variant in disease. Therefore, it has been classified as a Variant of Uncertain Significance.

Eurofins Ntd Llc (ga)
Classification: Uncertain significance. Last evaluated: 2013-06-05. Review status: criteria provided, single submitter. Criteria: EGL Classification Definitions 2015. Collection method: clinical testing. Allele origin: germline. Observed: 1 variant allele, 1 heterozygote.

NM_001278116.2(L1CAM):c.3014T>C (p.Ile1005Thr)

Gene: L1CAM (L1 cell adhesion molecule; minus strand). Cytogenetic location: Xq28.
Variant type: single nucleotide variant.
Coding change: c.3014T>C on transcript NM_001278116.2 (MANE Select); coding-DNA position 3014, T replaced by C.
Protein change: p.Ile1005Thr; replaces isoleucine 1005 with threonine.
Molecular consequence: missense variant.
Genome position (GRCh38, 1-based): chrX:153,864,853, A>G on the plus strand (T>C on the coding strand, the complement: L1CAM is on the minus strand). VCF-style: chrX-153864853-A-G. GRCh37 (hg19) VCF-style: chrX-153130308-A-G.
Other names: c.3014T>C, p.Ile1005Thr (NM_000425.5, NM_024003.3); c.2999T>C, p.Ile1000Thr (NM_001143963.2); short protein forms I1005T, I1000T.
Identifiers: ClinVar variation 92931 (VCV000092931.14), dbSNP rs398123365, ClinGen allele CA220731.